The following is an entry in ClinVar:

NM_147127.5(EVC2):c.3689del (p.Arg1230fs)

Gene: EVC2 (EvC ciliary complex subunit 2; minus strand). Cytogenetic location: 4p16.2.
Variant type: Deletion.
Coding change: c.3689del on transcript NM_147127.5 (MANE Select); coding-DNA position 3689, one base deleted (G; older notation c.3689delG).
Protein change: p.Arg1230fs; shifts the reading frame from arginine 1230.
Molecular consequence: frameshift variant.
Genome position (GRCh38, 1-based): chr4:5,563,086, C deleted on the plus strand (G on the coding strand, the reverse complement: EVC2 is on the minus strand). VCF-style (leftmost placement, unchanged base first): chr4-5563085-TC-T. GRCh37 (hg19) VCF-style: chr4-5564812-TC-T.
Other names: c.3449del, p.Arg1150fs (NM_001166136.2); short protein forms R1150fs, R1230fs.
Identifiers: ClinVar variation 1955177 (VCV001955177.2), dbSNP rs2475166266, ClinGen allele CA2578032626.
Genomic context (GRCh38, chr4:5,563,085, plus strand): 5'-GCCAATGGGCTCCAGTGACAGGTGTGGCCAACTTCCTTTTCCAGAGAATATCATCCTCTC[TC>T]TGAGAGGGAGACATGTCTTCTTTAATATGCTAAAGAAATAGCAAAAGATCAAATTCAATA-3'

ClinVar aggregate classification (germline): Uncertain significance (1 of 4 stars; one submission).

Conditions:
Ellis-van Creveld syndrome (EVC). Also called: EVC-Related Ellis-van Creveld Syndrome; EVC2-Related Ellis-van Creveld Syndrome; MESOECTODERMAL DYSPLASIA; Chondroectodermal dysplasia. Identifiers: Orphanet 289, MedGen C0013903, MONDO:0009162, OMIM 225500.
Curry-Hall syndrome (WAD). Also called: WEYERS ACRODENTAL DYSOSTOSIS. Identifiers: Orphanet 952, MedGen C0457013, MONDO:0008673, OMIM 193530.

Submission:

Labcorp Genetics (formerly Invitae), Labcorp
Classification: Uncertain significance for Curry-Hall syndrome; Ellis-van Creveld syndrome. Last evaluated: 2022-09-13. Review status: criteria provided, single submitter. Criteria: Invitae Variant Classification Sherloc (09022015). Collection method: clinical testing. Allele origin: germline.
Comment: This sequence change creates a premature translational stop signal (p.Arg1230Lysfs*4) in the EVC2 gene. While this is not anticipated to result in nonsense mediated decay, it is expected to disrupt the last 79 amino acid(s) of the EVC2 protein. This variant is not present in population databases (gnomAD no frequency). This variant has not been reported in the literature in individuals affected with EVC2-related conditions. Experimental studies and prediction algorithms are not available or were not evaluated, and the functional significance of this variant is currently unknown. Algorithms developed to predict the effect of sequence changes on RNA splicing suggest that this variant may disrupt the consensus splice site. In summary, the available evidence is currently insufficient to determine the role of this variant in disease. Therefore, it has been classified as a Variant of Uncertain Significance.